The following is an entry in ClinVar:

ClinVar aggregate classification (germline): Uncertain significance (1 of 4 stars; one submission).

Conditions:
Inborn genetic diseases. Identifiers: MedGen C0950123, MeSH D030342.

Submission:

Ambry Genetics
Classification: Uncertain significance for Inborn genetic diseases. Last evaluated: 2026-04-27. Review status: criteria provided, single submitter. Criteria: Ambry Variant Classification Scheme 2023. Collection method: clinical testing. Allele origin: germline.
Comment: The p.Q92P variant (also known as c.275A>C), located in coding exon 3 of the BMPR2 gene, results from an A to C substitution at nucleotide position 275. The glutamine at codon 92 is replaced by proline, an amino acid with similar properties. This amino acid position is conserved. In addition, this alteration is predicted to be deleterious by in silico analysis. Based on the available evidence, the clinical significance of this variant remains unclear.

NM_001204.7(BMPR2):c.275A>C (p.Gln92Pro)

Gene: BMPR2 (bone morphogenetic protein receptor type 2; plus strand). Cytogenetic location: 2q33.1.
Variant type: single nucleotide variant.
Coding change: c.275A>C on transcript NM_001204.7 (MANE Select); coding-DNA position 275, A replaced by C.
Protein change: p.Gln92Pro; replaces glutamine 92 with proline.
Molecular consequence: missense variant.
Genome position (GRCh38, 1-based): chr2:202,467,546, A>C. VCF-style: chr2-202467546-A-C. GRCh37 (hg19) VCF-style: chr2-203332269-A-C.
Other names: short protein forms Q92P.
Identifiers: ClinVar variation 4867616 (VCV004867616.1).